The following is an entry in ClinVar:

NM_153813.3(ZFPM1):c.1651C>T (p.His551Tyr)

Gene: ZFPM1 (zinc finger protein, FOG family member 1; plus strand). Cytogenetic location: 16q24.2.
Variant type: single nucleotide variant.
Coding change: c.1651C>T on transcript NM_153813.3 (MANE Select); coding-DNA position 1651, C replaced by T.
Protein change: p.His551Tyr; replaces histidine 551 with tyrosine.
Molecular consequence: missense variant.
Genome position (GRCh38, 1-based): chr16:88,533,609, C>T. VCF-style: chr16-88533609-C-T. GRCh37 (hg19) VCF-style: chr16-88600017-C-T.
Other names: short protein forms H551Y.
Identifiers: ClinVar variation 3193266 (VCV003193266.2), dbSNP rs774785297, ClinGen allele CA8226284.

ClinVar aggregate classification (germline): Uncertain significance. Review status: criteria provided, multiple submitters, no conflicts (2 of 4 stars). 2 submissions from 2 submitters: Uncertain significance (2). Last evaluated 2025-06-19.

Conditions:
Congenital heart defect.

Allele frequency attached by ClinVar (database versions not stated): TOPMed 0.00003; gnomAD exomes 0.00008; gnomAD 0.00003; ExAC 0.00005.
gnomAD v4.1: 108 of 1,486,192 alleles (0.0073%); highest among the groups gnomAD compares: Non-Finnish European, 0.0094%; no homozygotes.

Submissions (2):

Clinical Genomics Laboratory, Washington University in St. Louis
Classification: Uncertain significance for Congenital heart defect. Last evaluated: 2025-06-19. Review status: criteria provided, single submitter. Criteria: ACMG Guidelines, 2015. Collection method: clinical testing. Allele origin: germline.
Comment: The ZFPM1 c.1651C>T (p.His551Tyr) variant, to our knowledge, has not been reported in the medical literature. The highest population minor allele frequency in the population database genome aggregation database (v.4.1.0) is 0.009% in the European non-Finnish population. Computational predictors are uncertain as to the impact of this variant on ZFPM1 function. This variant has been reported in the ClinVar database as a germline variant of uncertain significance by a single submitter. Due to limited information, the clinical significance of this variant is uncertain.

Ambry Genetics
Classification: Uncertain significance. Last evaluated: 2021-08-10. Review status: criteria provided, single submitter. Criteria: Ambry Variant Classification Scheme 2023. Collection method: clinical testing. Allele origin: germline.